The following is an entry in ClinVar:

NM_005751.5(AKAP9):c.8336C>T (p.Ala2779Val)

Gene: AKAP9 (A-kinase anchoring protein 9; plus strand). Cytogenetic location: 7q21.2.
Variant type: single nucleotide variant.
Coding change: c.8336C>T on transcript NM_005751.5 (MANE Select); coding-DNA position 8336, C replaced by T.
Protein change: p.Ala2779Val; replaces alanine 2779 with valine.
Molecular consequence: missense variant.
Genome position (GRCh38, 1-based): chr7:92,083,345, C>T. VCF-style: chr7-92083345-C-T. GRCh37 (hg19) VCF-style: chr7-91712659-C-T.
Other names: c.2981C>T, p.Ala994Val (NM_001379277.1); c.8312C>T, p.Ala2771Val (NM_147185.3); short protein forms A2779V, A2771V, A994V.
Identifiers: ClinVar variation 263787 (VCV000263787.3), dbSNP rs886038923, ClinGen allele CA10587659.
Genomic context (GRCh38, chr7:92,083,345, plus strand): 5'-AAGAAAGCAAAAAGGCCTGCATGTTTGAGCCACTTCCTATAAAACTGAGTAAGAGCATTG[C>T]ATCCCAGACAGATGGGACTCTGAAGATCAGTAGCAGCAATCAGACTCCACAAATTCTTGT-3'
Protein context (NP_005742.4, residues 2769-2789): PLPIKLSKSI[Ala2779Val]SQTDGTLKIS

ClinVar aggregate classification (germline): Uncertain significance (1 of 4 stars; one submission).

Conditions:
Cardiovascular phenotype. Identifiers: MedGen CN230736.

Submission:

Ambry Genetics
Classification: Uncertain significance for Cardiovascular phenotype. Last evaluated: 2013-11-27. Review status: criteria provided, single submitter. Criteria: Ambry Autosomal Dominant and X-Linked criteria (10/2015). Collection method: clinical testing. Allele origin: germline. Observed: 1 variant allele.
Comment: The p.A2779V variant (also known as c.8336C>T) is located in coding exon 33 of the AKAP9gene. This alteration results from a C to T substitution at nucleotide position 8336. The alanine at codon 2779 is replaced by valine, an amino acid with some similar properties. Ã¢â‚¬â€¹This variant was not reported in population-based cohorts in the following databases: Database of Single Nucleotide Polymorphisms (dbSNP), the 1000 Genomes Project and the NHLBI Exome Sequencing Project (ESP). In the ESP, this variant was not reported in 6503 samples (13006 alleles) with coverage at this position. Based on protein sequence alignment, this amino acid position isnot well conserved in available vertebrate species.In addition, this alteration is predicted to be tolerated by in silico analysis. Since supporting evidence is limited at this time, the clinical significance of this variant remains unclear.